The following is an entry in ClinVar:

ClinVar aggregate classification (germline): Likely benign (0 of 4 stars; one submission).

Conditions:
ATM-related disorder. Also called: ATM-related disorders; ATM-related condition.

Submission:

PreventionGenetics, part of Exact Sciences
Classification: Likely benign for ATM-related condition. Last evaluated: 2024-09-09. Review status: no assertion criteria provided. Collection method: clinical testing. Allele origin: germline.
Comment: This variant is classified as likely benign based on ACMG/AMP sequence variant interpretation guidelines (Richards et al. 2015 PMID: 25741868, with internal and published modifications).

NM_000051.4(ATM):c.2839-579A>T

Gene: ATM (ATM serine/threonine kinase; plus strand). Cytogenetic location: 11q22.3.
Variant type: single nucleotide variant.
Coding change: c.2839-579A>T on transcript NM_000051.4 (MANE Select); 579 bases into the intron before coding-DNA position 2839, A replaced by T.
Molecular consequence: intron variant.
Genome position (GRCh38, 1-based): chr11:108,270,485, A>T. VCF-style: chr11-108270485-A-T. GRCh37 (hg19) VCF-style: chr11-108141212-A-T.
Other names: c.2839-579A>T (NM_001351834.2).
Identifiers: ClinVar variation 3345521 (VCV003345521.1).
Genomic context (GRCh38, chr11:108,270,485, plus strand): 5'-ACAATAGAAGCTAGACTTTTACGTTTATTTTCTCTAATCCTCACAGTTATCTGGCCAGGT[A>T]AGTGATATATCTTCACTCTACTGATGAGGGTACGAAGGCCCTAGATGACATAAGGCAAGT-3'